The following is an entry in ClinVar:

NM_005068.3(SIM1):c.1266C>G (p.Pro422=)

Genes: SIM1 (SIM bHLH transcription factor 1; minus strand), SIM1-AS1 (SIM1 antisense RNA 1; plus strand). Cytogenetic location: 6q16.3.
Variant type: single nucleotide variant.
Coding change: c.1266C>G on transcript NM_005068.3 (MANE Select); coding-DNA position 1266, C replaced by G.
Protein change: p.Pro422=; no amino-acid change (proline 422 retained).
Molecular consequence: synonymous variant. On other transcripts: non-coding transcript variant (1).
Genome position (GRCh38, 1-based): chr6:100,393,791, G>C on the plus strand (C>G on the coding strand, the complement: SIM1 is on the minus strand). VCF-style: chr6-100393791-G-C. GRCh37 (hg19) VCF-style: chr6-100841667-G-C.
Other names: c.1266C>G, p.Pro422= (NM_001374769.1).
Identifiers: ClinVar variation 4990565 (VCV004990565.1).

ClinVar aggregate classification (germline): Likely benign (1 of 4 stars; one submission).

Conditions:
SIM1-related disorder. Also called: SIM1-related disorders; SIM1-related condition.

gnomAD v4.1: 1 of 1,614,042 alleles (0.000062%); highest among the groups gnomAD compares: Non-Finnish European, 0.000085%; no homozygotes.

Submission:

PreventionGenetics, part of Exact Sciences
Classification: Likely benign for SIM1-related condition. Last evaluated: 2025-12-26. Review status: criteria provided, single submitter. Criteria: ACMG Guidelines, 2015. Collection method: clinical testing. Allele origin: germline.
Comment: This variant is classified as likely benign based on ACMG/AMP sequence variant interpretation guidelines (Richards et al. 2015 PMID: 25741868, with internal and published modifications).